The following is an entry in ClinVar:

ClinVar aggregate classification (germline): Uncertain significance (1 of 4 stars; one submission).

Allele frequency attached by ClinVar (database versions not stated): gnomAD 0.00001; gnomAD exomes 0.00001; ExAC 0.00003; 1000 Genomes Project 0.00020; 1000 Genomes Project 30x 0.00031.
gnomAD v4.1: 7 of 1,614,038 alleles (0.00043%); highest among the groups gnomAD compares: South Asian, 0.0066%; no homozygotes.

Submission:

Labcorp Genetics (formerly Invitae), Labcorp
Classification: Uncertain significance. Last evaluated: 2021-12-03. Review status: criteria provided, single submitter. Criteria: Invitae Variant Classification Sherloc (09022015). Collection method: clinical testing. Allele origin: germline.
Comment: In summary, the available evidence is currently insufficient to determine the role of this variant in disease. Therefore, it has been classified as a Variant of Uncertain Significance. Algorithms developed to predict the effect of missense changes on protein structure and function output the following: SIFT: "Tolerated"; PolyPhen-2: "Benign"; Align-GVGD: "Class C0". The alanine amino acid residue is found in multiple mammalian species, which suggests that this missense change does not adversely affect protein function. This variant has not been reported in the literature in individuals affected with PHF21A-related conditions. This variant is present in population databases (rs532473580, gnomAD 0.01%). This sequence change replaces threonine, which is neutral and polar, with alanine, which is neutral and non-polar, at codon 310 of the PHF21A protein (p.Thr310Ala).

NM_001352027.3(PHF21A):c.931A>G (p.Thr311Ala)

Gene: PHF21A (PHD finger protein 21A; minus strand). Cytogenetic location: 11p11.2.
Variant type: single nucleotide variant.
Coding change: c.931A>G on transcript NM_001352027.3 (MANE Select); coding-DNA position 931, A replaced by G.
Protein change: p.Thr311Ala; replaces threonine 311 with alanine.
Molecular consequence: missense variant. On other transcripts: non-coding transcript variant (2).
Genome position (GRCh38, 1-based): chr11:45,965,380, T>C on the plus strand (A>G on the coding strand, the complement: PHF21A is on the minus strand). VCF-style: chr11-45965380-T-C. GRCh37 (hg19) VCF-style: chr11-45986931-T-C.
Other names: c.928A>G, p.Thr310Ala (NM_001101802.3, NM_001352030.3, NM_001352031.3 and 1 more transcripts); c.931A>G, p.Thr311Ala (NM_001352025.3, NM_001352026.3, NM_001352028.1 and 2 more transcripts); short protein forms T310A, T311A.
Identifiers: ClinVar variation 1385210 (VCV001385210.6), dbSNP rs532473580, ClinGen allele CA5961259.